The following is an entry in ClinVar:

ClinVar aggregate classification (germline): Uncertain significance. Review status: criteria provided, multiple submitters, no conflicts (2 of 4 stars). 4 submissions from 4 submitters: Uncertain significance (4). Last evaluated 2025-04-22.

Submissions (4):

Mayo Clinic Laboratories, Mayo Clinic
Classification: Uncertain significance. Last evaluated: 2025-04-22. Review status: criteria provided, single submitter. Criteria: ACMG Guidelines, 2015. Collection method: clinical testing. Allele origin: germline. Observed: 3 variant alleles.
Comment: PP3, PM2_moderate

Labcorp Genetics (formerly Invitae), Labcorp
Classification: Uncertain significance. Last evaluated: 2025-04-10. Review status: criteria provided, single submitter. Criteria: Invitae Variant Classification Sherloc (09022015). Collection method: clinical testing. Allele origin: germline.
Comment: This sequence change replaces glutamine, which is neutral and polar, with histidine, which is basic and polar, at codon 840 of the SLC4A1 protein (p.Gln840His). This variant is not present in population databases (gnomAD no frequency). This variant has not been reported in the literature in individuals affected with SLC4A1-related conditions. ClinVar contains an entry for this variant (Variation ID: 1693702). Invitae Evidence Modeling of protein sequence and biophysical properties (such as structural, functional, and spatial information, amino acid conservation, physicochemical variation, residue mobility, and thermodynamic stability) indicates that this missense variant is expected to disrupt SLC4A1 protein function with a positive predictive value of 80%. In summary, the available evidence is currently insufficient to determine the role of this variant in disease. Therefore, it has been classified as a Variant of Uncertain Significance.

ARUP Laboratories, Molecular Genetics and Genomics, ARUP Laboratories
Classification: Uncertain significance. Last evaluated: 2025-01-28. Review status: criteria provided, single submitter. Criteria: ARUP Molecular Germline Variant Investigation Process 2024. Collection method: clinical testing. Allele origin: germline.
Comment: The SLC4A1 c.2520G>C; p.Gln840His variant (rs781650676), to our knowledge, is not reported in the medical literature but is reported in ClinVar (Variation ID: 1693702). This variant is absent from the Genome Aggregation Database (v2.1.1), indicating it is not a common polymorphism. Computational analyses predict that this variant is deleterious (REVEL: 0.835). Due to limited information, the clinical significance of this variant is uncertain at this time.

Revvity Omics, Revvity
Classification: Uncertain significance. Last evaluated: 2024-04-10. Review status: criteria provided, single submitter. Criteria: ACMG Guidelines, 2015. Collection method: clinical testing. Allele origin: germline.

NM_000342.4(SLC4A1):c.2520G>C (p.Gln840His)

Gene: SLC4A1 (solute carrier family 4 member 1 (Diego blood group); minus strand). Cytogenetic location: 17q21.31.
Variant type: single nucleotide variant.
Coding change: c.2520G>C on transcript NM_000342.4 (MANE Select); coding-DNA position 2520, G replaced by C.
Protein change: p.Gln840His; replaces glutamine 840 with histidine.
Molecular consequence: missense variant.
Genome position (GRCh38, 1-based): chr17:44,251,294, C>G on the plus strand (G>C on the coding strand, the complement: SLC4A1 is on the minus strand). VCF-style: chr17-44251294-C-G. GRCh37 (hg19) VCF-style: chr17-42328662-C-G.
Other names: p.Gln840His; short protein forms Q840H.
Identifiers: ClinVar variation 1693702 (VCV001693702.12), dbSNP rs781650676, ClinGen allele CA399780077.